The following is an entry in ClinVar:

NC_000008.10:g.(?_145742531)_(145747630_?)del

Genes: LRRC14 (leucine rich repeat containing 14; plus strand), RECQL4 (RecQ like helicase 4; minus strand). Cytogenetic location: 8q24.3.
Variant type: Deletion.
Identifiers: ClinVar variation 1458633 (VCV001458633.3).

ClinVar aggregate classification (germline): Pathogenic (1 of 4 stars; one submission).

Conditions:
Baller-Gerold syndrome (BGS). Also called: CRANIOSYNOSTOSIS WITH RADIAL DEFECTS. Identifiers: Orphanet 1225, MedGen C0265308, MONDO:0009039, OMIM 218600.

Submission:

Labcorp Genetics (formerly Invitae), Labcorp
Classification: Pathogenic for Baller-Gerold syndrome. Last evaluated: 2021-11-30. Review status: criteria provided, single submitter. Criteria: Invitae Variant Classification Sherloc (09022015). Collection method: clinical testing. Allele origin: germline.
Comment: For these reasons, this variant has been classified as Pathogenic. This variant has not been reported in the literature in individuals affected with RECQL4-related conditions. This variant results in the deletion of exons 1-3 and part of exon 4 (c.-4462_257delinsTGGTGTG) of the RECQL4 gene. It is expected to result in an absent or disrupted protein product. Loss-of-function variants in RECQL4 are known to be pathogenic (PMID: 12734318, 12952869).

Literature cited by the submitters: PubMed 12734318; PubMed 12952869.